The following is an entry in ClinVar:

ClinVar aggregate classification (germline): Uncertain significance. Review status: criteria provided, multiple submitters, no conflicts (2 of 4 stars). 3 submissions from 3 submitters: Uncertain significance (3). Last evaluated 2026-01-24.

Conditions:
Aortic aneurysm, familial thoracic 10 (AAT10). Identifiers: MedGen C4284414, MONDO:0014950, OMIM 617168.
Cardiovascular phenotype. Identifiers: MedGen CN230736.

Allele frequency attached by ClinVar (database versions not stated): gnomAD 0.00001; gnomAD exomes 0.00001 and 0.00002; ExAC 0.00002.
gnomAD v4.1: 14 of 1,613,988 alleles (0.00087%); highest among the groups gnomAD compares: Non-Finnish European, 0.00093%; 1 homozygote.

Submissions (3):

Ambry Genetics
Classification: Uncertain significance for Cardiovascular phenotype. Last evaluated: 2026-01-24. Review status: criteria provided, single submitter. Criteria: Ambry Variant Classification Scheme 2023. Collection method: clinical testing. Allele origin: germline.
Comment: The p.S329Y variant (also known as c.986C>A), located in coding exon 4 of the LOX gene, results from a C to A substitution at nucleotide position 986. The serine at codon 329 is replaced by tyrosine, an amino acid with dissimilar properties. This amino acid position is conserved. In addition, the in silico prediction for this alteration is inconclusive. Based on the available evidence, the clinical significance of this variant remains unclear.

Labcorp Genetics (formerly Invitae), Labcorp
Classification: Uncertain significance. Last evaluated: 2025-08-31. Review status: criteria provided, single submitter. Criteria: Invitae Variant Classification Sherloc (09022015). Collection method: clinical testing. Allele origin: germline.
Comment: This sequence change replaces serine, which is neutral and polar, with tyrosine, which is neutral and polar, at codon 329 of the LOX protein (p.Ser329Tyr). The frequency data for this variant in the population databases is considered unreliable, as metrics indicate poor data quality at this position in the gnomAD database. This variant has not been reported in the literature in individuals affected with LOX-related conditions. ClinVar contains an entry for this variant (Variation ID: 1354485). Invitae Evidence Modeling of protein sequence and biophysical properties (such as structural, functional, and spatial information, amino acid conservation, physicochemical variation, residue mobility, and thermodynamic stability) has been performed for this missense variant. However, the output from this modeling did not meet the statistical confidence thresholds required to predict the impact of this variant on LOX protein function. In summary, the available evidence is currently insufficient to determine the role of this variant in disease. Therefore, it has been classified as a Variant of Uncertain Significance.

Fulgent Genetics
Classification: Uncertain significance for Aortic aneurysm, familial thoracic 10. Last evaluated: 2021-07-28. Review status: criteria provided, single submitter. Criteria: ACMG Guidelines, 2015. Collection method: clinical testing. Allele origin: unknown.

NM_002317.7(LOX):c.986C>A (p.Ser329Tyr)

Genes: LOX (lysyl oxidase; minus strand), SRFBP1 (serum response factor binding protein 1; plus strand). Cytogenetic location: 5q23.1.
Variant type: single nucleotide variant.
Coding change: c.986C>A on transcript NM_002317.7 (MANE Select); coding-DNA position 986, C replaced by A.
Protein change: p.Ser329Tyr; replaces serine 329 with tyrosine.
Molecular consequence: missense variant.
Genome position (GRCh38, 1-based): chr5:122,074,062, G>T on the plus strand (C>A on the coding strand, the complement: LOX is on the minus strand). VCF-style: chr5-122074062-G-T. GRCh37 (hg19) VCF-style: chr5-121409757-G-T.
Other names: c.986C>A (NM_002317.5); c.296C>A, p.Ser99Tyr (NM_001178102.2); c.95C>A, p.Ser32Tyr (NM_001317073.1); short protein forms S99Y, S329Y, S32Y.
Identifiers: ClinVar variation 1354485 (VCV001354485.11), dbSNP rs755859651, ClinGen allele CA3383888.
Genomic context (GRCh38, chr5:122,074,062, plus strand): 5'-TGCCAACATACCTGTGTGTGTGCAGTACATGCAAATCGCCTGTGGTAGCCATAGTCACAG[G>T]ATGTGTCTTCAAGACAGAAACTTGCTTTGTGGCCTTCAGCCACTCTCCTCTGGGTGTTGG-3'
Protein context (NP_002308.2, residues 319-339): HKASFCLEDT[Ser329Tyr]CDYGYHRRFA